The following is an entry in ClinVar:

NM_000214.3(JAG1):c.2414G>A (p.Arg805Gln)

Gene: JAG1 (jagged canonical Notch ligand 1; minus strand). Cytogenetic location: 20p12.2.
Variant type: single nucleotide variant.
Coding change: c.2414G>A on transcript NM_000214.3 (MANE Select); coding-DNA position 2414, G replaced by A.
Protein change: p.Arg805Gln; replaces arginine 805 with glutamine.
Molecular consequence: missense variant.
Genome position (GRCh38, 1-based): chr20:10,643,822, C>T on the plus strand (G>A on the coding strand, the complement: JAG1 is on the minus strand). VCF-style: chr20-10643822-C-T. GRCh37 (hg19) VCF-style: chr20-10624470-C-T.
Other names: short protein forms R805Q.
Identifiers: ClinVar variation 1417780 (VCV001417780.10), dbSNP rs774372899, ClinGen allele CA322474.
Genomic context (GRCh38, chr20:10,643,822, plus strand): 5'-CGGAGACAGTCCTTACTTATTCTGCAGTCGGGCCCAGCAAAACCCGGGGCACATTCGCAC[C>T]GGTACCAGTTGTCTCCATCCACACAGGTGCCGCTGTTGTAACTAAGAAAGCAAAGACCAC-3'
Protein context (NP_000205.1, residues 795-815): GTCVDGDNWY[Arg805Gln]CECAPGFAGP

ClinVar aggregate classification (germline): Uncertain significance. Review status: criteria provided, multiple submitters, no conflicts (2 of 4 stars). 2 submissions from 2 submitters: Uncertain significance (2). Last evaluated 2022-02-09.

Conditions:
Cardiovascular phenotype. Identifiers: MedGen CN230736.
Alagille syndrome due to a JAG1 point mutation. Also called: HEPATIC DUCTULAR HYPOPLASIA, SYNDROMATIC; Alagille Syndrome 1; JAG1-Related Alagille Syndrome. Identifiers: Orphanet 261619, Orphanet 52, MedGen C1956125, MONDO:0016862, OMIM 118450.

Allele frequency attached by ClinVar (database versions not stated): ExAC 0.00001; gnomAD exomes 0.00001.

Submissions (2):

Labcorp Genetics (formerly Invitae), Labcorp
Classification: Uncertain significance for Alagille syndrome due to a JAG1 point mutation. Last evaluated: 2022-02-09. Review status: criteria provided, single submitter. Criteria: Invitae Variant Classification Sherloc (09022015). Collection method: clinical testing. Allele origin: germline.
Comment: In summary, the available evidence is currently insufficient to determine the role of this variant in disease. Therefore, it has been classified as a Variant of Uncertain Significance. Advanced modeling of protein sequence and biophysical properties (such as structural, functional, and spatial information, amino acid conservation, physicochemical variation, residue mobility, and thermodynamic stability) performed at Invitae indicates that this missense variant is expected to disrupt JAG1 protein function. This variant has not been reported in the literature in individuals affected with JAG1-related conditions. This variant is present in population databases (rs774372899, gnomAD 0.005%). This sequence change replaces arginine, which is basic and polar, with glutamine, which is neutral and polar, at codon 805 of the JAG1 protein (p.Arg805Gln).

Ambry Genetics
Classification: Uncertain significance for Cardiovascular phenotype. Last evaluated: 2021-11-24. Review status: criteria provided, single submitter. Criteria: Ambry Variant Classification Scheme 2023. Collection method: clinical testing. Allele origin: germline.
Comment: The p.R805Q variant (also known as c.2414G>A), located in coding exon 20 of the JAG1 gene, results from a G to A substitution at nucleotide position 2414. The arginine at codon 805 is replaced by glutamine, an amino acid with highly similar properties. This amino acid position is conserved. In addition, this alteration is predicted to be deleterious by in silico analysis. Since supporting evidence is limited at this time, the clinical significance of this alteration remains unclear.